The following is an entry in ClinVar:

ClinVar aggregate classification (germline): Benign (1 of 4 stars; one submission).

Submission:

GeneDx
Classification: Benign. Last evaluated: 2018-06-14. Review status: criteria provided, single submitter. Criteria: GeneDx Variant Classification (06012015). Collection method: clinical testing. Allele origin: germline. Affected: yes.
Comment: This variant is considered likely benign or benign based on one or more of the following criteria: it is a conservative change, it occurs at a poorly conserved position in the protein, it is predicted to be benign by multiple in silico algorithms, and/or has population frequency not consistent with disease.

NM_000069.3(CACNA1S):c.152+32del

Gene: CACNA1S (calcium voltage-gated channel subunit alpha1 S; minus strand). Cytogenetic location: 1q32.1.
Variant type: Deletion.
Coding change: c.152+32del on transcript NM_000069.3 (MANE Select); 32 bases into the intron after coding-DNA position 152, one base deleted (G; older notation c.152+32delG).
Molecular consequence: intron variant.
Genome position (GRCh38, 1-based): chr1:201,112,156, C deleted on the plus strand (G on the coding strand, the reverse complement: CACNA1S is on the minus strand); the first of 9 consecutive C bases (chr1:201,112,156-201,112,164); deleting any one gives the same sequence. VCF-style (leftmost placement, unchanged base first): chr1-201112155-AC-A. GRCh37 (hg19) VCF-style: chr1-201081283-AC-A.
Identifiers: ClinVar variation 678212 (VCV000678212.1), dbSNP rs112984935, ClinGen allele CA1321830.